The following is an entry in ClinVar:

NM_005475.3(SH2B3):c.1565C>T (p.Pro522Leu)

Gene: SH2B3 (SH2B adaptor protein 3; plus strand). Cytogenetic location: 12q24.12.
Variant type: single nucleotide variant.
Coding change: c.1565C>T on transcript NM_005475.3 (MANE Select); coding-DNA position 1565, C replaced by T.
Protein change: p.Pro522Leu; replaces proline 522 with leucine.
Molecular consequence: missense variant.
Genome position (GRCh38, 1-based): chr12:111,448,139, C>T. VCF-style: chr12-111448139-C-T. GRCh37 (hg19) VCF-style: chr12-111885943-C-T.
Other names: c.959C>T, p.Pro320Leu (NM_001291424.1); short protein forms P320L, P522L.
Identifiers: ClinVar variation 4824351 (VCV004824351.1).
Genomic context (GRCh38, chr12:111,448,139, plus strand): 5'-GTTCTTCTGGCTGTCCCCGGGGGCTCAGCCCAGAGGGTCTCCCAGGGCGATCCTCACCCC[C>T]CGAGCAGATCTTCCACCTGGTGCCTTCGCCCGAAGAACTGGCCAACAGCCTGCAGCACCT-3'
Protein context (NP_005466.1, residues 512-532): PEGLPGRSSP[Pro522Leu]EQIFHLVPSP

ClinVar aggregate classification (germline): Uncertain significance (1 of 4 stars; one submission).

Conditions:
Inborn genetic diseases. Identifiers: MedGen C0950123, MeSH D030342.

gnomAD v4.1: 1 of 1,614,174 alleles (0.000062%); highest among the groups gnomAD compares: Middle Eastern, 0.016%; no homozygotes.

Submission:

Ambry Genetics
Classification: Uncertain significance for Inborn genetic diseases. Last evaluated: 2026-01-20. Review status: criteria provided, single submitter. Criteria: Ambry Variant Classification Scheme 2023. Collection method: clinical testing. Allele origin: germline.
Comment: The p.P522L variant (also known as c.1565C>T), located in coding exon 7 of the SH2B3 gene, results from a C to T substitution at nucleotide position 1565. The proline at codon 522 is replaced by leucine, an amino acid with similar properties. This amino acid position is conserved. In addition, this alteration is predicted to be tolerated by in silico analysis. Based on the available evidence, the clinical significance of this variant remains unclear.